The following is an entry in ClinVar:

NM_001039141.3(TRIOBP):c.4062+5G>A

Gene: TRIOBP (TRIO and F-actin binding protein; plus strand). Cytogenetic location: 22q13.1.
Variant type: single nucleotide variant.
Coding change: c.4062+5G>A on transcript NM_001039141.3 (MANE Select); 5 bases into the intron after coding-DNA position 4062, G replaced by A.
Molecular consequence: intron variant.
Genome position (GRCh38, 1-based): chr22:37,733,417, G>A. VCF-style: chr22-37733417-G-A. GRCh37 (hg19) VCF-style: chr22-38129424-G-A.
Identifiers: ClinVar variation 229355 (VCV000229355.5), dbSNP rs876658037, ClinGen allele CA10577144.

ClinVar aggregate classification (germline): Uncertain significance (1 of 4 stars; one submission).

Allele frequency attached by ClinVar (database versions not stated): gnomAD exomes below 0.00001 and 0.00001.
gnomAD v4.1: 6 of 1,549,012 alleles (0.00039%); highest among the groups gnomAD compares: South Asian, 0.0048%; 1 homozygote.

Submission:

Laboratory for Molecular Medicine, Mass General Brigham Personalized Medicine
Classification: Uncertain significance. Last evaluated: 2015-02-26. Review status: criteria provided, single submitter. Criteria: LMM Criteria. Collection method: clinical testing. Allele origin: germline. Observed: 1 variant allele.
Comment: The c.4062+5G>A variant in TRIOBP has not been previously reported in individual s with hearing loss. Data from large population studies is insufficient to asses s the frequency of this variant. The c.4062+5G>A variant is located in the 5' sp lice region. Computational tools and conservation analysis suggest that this var iant may impact splicing. However, this information is not predictive enough to determine pathogenicity. In summary, the clinical significance of the c.4062+5G> A variant is uncertain.